The following is an entry in ClinVar:

ClinVar aggregate classification (germline): Likely benign. Review status: criteria provided, multiple submitters, no conflicts (2 of 4 stars). 2 submissions from 2 submitters: Likely benign (2). Last evaluated 2025-08-01.

Conditions:
KIF11-related disorder. Also called: KIF11-related condition.

Allele frequency attached by ClinVar (database versions not stated): gnomAD exomes 0.00001.
gnomAD v4.1: 21 of 1,613,130 alleles (0.0013%); highest among the groups gnomAD compares: Middle Eastern, 0.066%; no homozygotes.

Submissions (2):

PreventionGenetics, part of Exact Sciences
Classification: Likely benign for KIF11-related condition. Last evaluated: 2025-08-01. Review status: criteria provided, single submitter. Criteria: ACMG Guidelines, 2015. Collection method: clinical testing. Allele origin: germline.
Comment: This variant is classified as likely benign based on ACMG/AMP sequence variant interpretation guidelines (Richards et al. 2015 PMID: 25741868, with internal and published modifications).

Labcorp Genetics (formerly Invitae), Labcorp
Classification: Likely benign. Last evaluated: 2025-07-30. Review status: criteria provided, single submitter. Criteria: Invitae Variant Classification Sherloc (09022015). Collection method: clinical testing. Allele origin: germline.

NM_004523.4(KIF11):c.2472A>C (p.Thr824=)

Gene: KIF11 (kinesin family member 11; plus strand). Cytogenetic location: 10q23.33.
Variant type: single nucleotide variant.
Coding change: c.2472A>C on transcript NM_004523.4 (MANE Select); coding-DNA position 2472, A replaced by C.
Protein change: p.Thr824=; no amino-acid change (threonine 824 retained).
Molecular consequence: synonymous variant.
Genome position (GRCh38, 1-based): chr10:92,645,567, A>C. VCF-style: chr10-92645567-A-C. GRCh37 (hg19) VCF-style: chr10-94405324-A-C.
Other names: c.2472A>C (NM_004523.3).
Identifiers: ClinVar variation 1903223 (VCV001903223.6), dbSNP rs868767415, ClinGen allele CA211516044.